The following is an entry in ClinVar:

NM_001129820.2(SLFN14):c.2045C>T (p.Thr682Ile)

Gene: SLFN14 (schlafen family member 14; minus strand). Cytogenetic location: 17q12.
Variant type: single nucleotide variant.
Coding change: c.2045C>T on transcript NM_001129820.2 (MANE Select); coding-DNA position 2045, C replaced by T.
Protein change: p.Thr682Ile; replaces threonine 682 with isoleucine.
Molecular consequence: missense variant.
Genome position (GRCh38, 1-based): chr17:35,548,933, G>A on the plus strand (C>T on the coding strand, the complement: SLFN14 is on the minus strand). VCF-style: chr17-35548933-G-A. GRCh37 (hg19) VCF-style: chr17-33875952-G-A.
Other names: c.2045C>T (NM_001129820.1); short protein forms T682I.
Identifiers: ClinVar variation 1049623 (VCV001049623.2), dbSNP rs187022223, ClinGen allele CA8504569.

ClinVar aggregate classification (germline): Uncertain significance. Review status: criteria provided, single submitter (1 of 4 stars). 2 submissions from 2 submitters: Uncertain significance (1). 1 of the submissions does not count toward it. Last evaluated 2025-03-31.

Conditions:
Inborn genetic diseases. Identifiers: MedGen C0950123, MeSH D030342.

Allele frequency attached by ClinVar (database versions not stated): gnomAD exomes 0.00001; ExAC 0.00005; TOPMed 0.00006; 1000 Genomes Project 30x 0.00016; gnomAD 0.00006; 1000 Genomes Project 0.00020.
gnomAD v4.1: 25 of 1,551,678 alleles (0.0016%); highest among the groups gnomAD compares: African/African-American, 0.033%; no homozygotes.

Submissions (2):

Ambry Genetics
Classification: Uncertain significance for Inborn genetic diseases. Last evaluated: 2025-03-31. Review status: criteria provided, single submitter. Criteria: Ambry Variant Classification Scheme 2023. Collection method: clinical testing. Allele origin: germline.

Department of Pathology and Laboratory Medicine, Sinai Health System
Classification: Uncertain significance. Review status: no assertion criteria provided. Collection method: clinical testing. Allele origin: unknown. Affected: yes. Study: The Canadian Open Genetics Repository (COGR). Not counted in ClinVar's aggregate classification.
Comment: The SLFN14 p.Thr682Ile variant was not identified in the literature nor was it identified in ClinVar, Cosmic or LOVD 3.0. The variant was identified in dbSNP (ID: rs187022223) and was also found in control databases in 3 of 185422 chromosomes at a frequency of 0.000016 (Genome Aggregation Database Feb 27, 2017). The variant was observed in the African population in 3 of 16622 chromosomes (freq: 0.000181), while the variant was not observed in the Latino, Ashkenazi Jewish, East Asian, European (Finnish), European (non-Finnish), Other or South Asian populations. The variant occurs outside of the splicing consensus sequence and in silico or computational prediction software programs (SpliceSiteFinder, MaxEntScan, NNSPLICE, GeneSplicer) do not predict a difference in splicing. The p.Thr682 residue is conserved in mammals and computational analyses (PolyPhen-2, SIFT, AlignGVGD, BLOSUM, MutationTaster) provide inconsistent predictions regarding the impact to the protein; this information is not very predictive of pathogenicity. In summary, based on the above information the clinical significance of this variant cannot be determined with certainty at this time. This variant is classified as a variant of uncertain significance.